The following is an entry in ClinVar:

NM_001378183.1(PIEZO2):c.603C>G (p.Phe201Leu)

Gene: PIEZO2 (piezo type mechanosensitive ion channel component 2; minus strand). Cytogenetic location: 18p11.22.
Variant type: single nucleotide variant.
Coding change: c.603C>G on transcript NM_001378183.1 (MANE Select); coding-DNA position 603, C replaced by G.
Protein change: p.Phe201Leu; replaces phenylalanine 201 with leucine.
Molecular consequence: missense variant.
Genome position (GRCh38, 1-based): chr18:10,857,101, G>C on the plus strand (C>G on the coding strand, the complement: PIEZO2 is on the minus strand). VCF-style: chr18-10857101-G-C. GRCh37 (hg19) VCF-style: chr18-10857099-G-C.
Other names: c.603C>G, p.Phe201Leu (NM_022068.4); short protein forms F201L.
Identifiers: ClinVar variation 1308516 (VCV001308516.2), dbSNP rs2041728071, ClinGen allele CA402029467.
Genomic context (GRCh38, chr18:10,857,101, plus strand): 5'-AGTGGTGATCATGTTGCCAATGAACTCCTTGAGCTTAGAGGCCACAGAGGCAAGCCTGCG[G>C]AACATTTTTAACTTCGTGCTTTCTTCCAACTCGCCTTCAACACCATCTCCTCCATTGAAA-3'
Protein context (NP_001365112.1, residues 191-211): ELEESTKLKM[Phe201Leu]RRLASVASKL

ClinVar aggregate classification (germline): Uncertain significance (1 of 4 stars; one submission).

Allele frequency attached by ClinVar (database versions not stated): TOPMed 0.00001.

Submission:

GeneDx
Classification: Uncertain significance. Last evaluated: 2019-04-08. Review status: criteria provided, single submitter. Criteria: GeneDx Variant Classification Process June 2021. Collection method: clinical testing. Allele origin: germline. Affected: yes.
Comment: Not observed in large population cohorts (Lek et al., 2016); In silico analysis, which includes protein predictors and evolutionary conservation, supports that this variant does not alter protein structure/function; Has not been previously published as pathogenic or benign to our knowledge